The following is an entry in ClinVar:

ClinVar aggregate classification (germline): Uncertain significance (1 of 4 stars; one submission).

Submission:

GeneDx
Classification: Uncertain significance. Last evaluated: 2026-01-21. Review status: criteria provided, single submitter. Criteria: GeneDx Variant Classification Process June 2021. Collection method: clinical testing. Allele origin: germline.
Comment: Not observed at significant frequency in large population cohorts (gnomAD); Missense variants in this gene are a common cause of disease and they are underrepresented in the general population; In silico analysis suggests that this missense variant does not alter protein structure/function; Has not been previously published as pathogenic or benign to our knowledge.

NM_001100.4(ACTA1):c.694G>A (p.Ala232Thr)

Gene: ACTA1 (actin alpha 1, skeletal muscle; minus strand). Cytogenetic location: 1q42.13.
Variant type: single nucleotide variant.
Coding change: c.694G>A on transcript NM_001100.4 (MANE Select); coding-DNA position 694, G replaced by A.
Protein change: p.Ala232Thr; replaces alanine 232 with threonine.
Molecular consequence: missense variant.
Genome position (GRCh38, 1-based): chr1:229,432,108, C>T on the plus strand (G>A on the coding strand, the complement: ACTA1 is on the minus strand). VCF-style: chr1-229432108-C-T. GRCh37 (hg19) VCF-style: chr1-229567855-C-T.
Other names: short protein forms A232T.
Identifiers: ClinVar variation 4975332 (VCV004975332.1).